The following is an entry in ClinVar:

NM_001267550.2(TTN):c.22982A>C (p.Asn7661Thr)

Gene: TTN (titin; minus strand). Cytogenetic location: 2q31.2.
Variant type: single nucleotide variant.
Coding change: c.22982A>C on transcript NM_001267550.2 (MANE Select); coding-DNA position 22982, A replaced by C.
Protein change: p.Asn7661Thr; replaces asparagine 7661 with threonine.
Molecular consequence: missense variant. On other transcripts: intron variant (3).
Genome position (GRCh38, 1-based): chr2:178,721,037, T>G on the plus strand (A>C on the coding strand, the complement: TTN is on the minus strand). VCF-style: chr2-178721037-T-G. GRCh37 (hg19) VCF-style: chr2-179585764-T-G.
Other names: c.22982A>C (NM_001267550.1); c.22031A>C, p.Asn7344Thr (NM_001256850.1); c.19250A>C, p.Asn6417Thr (NM_133378.4); c.13282+17045A>C (NM_003319.4); c.13858+17045A>C (NM_133437.4); c.13657+17045A>C (NM_133432.3); short protein forms N7344T, N6417T, N7661T.
Identifiers: ClinVar variation 1030135 (VCV001030135.2), dbSNP rs2078278433, ClinGen allele CA349517518.

ClinVar aggregate classification (germline): Uncertain significance. Review status: criteria provided, multiple submitters, no conflicts (2 of 4 stars). 2 submissions from 2 submitters: Uncertain significance (2). Last evaluated 2024-03-25.

Conditions:
Dilated cardiomyopathy 1G (CMD1G). Identifiers: Orphanet 154, MedGen C1858763, MONDO:0011400, OMIM 604145.

Submissions (2):

Genomic Medicine Center of Excellence, King Faisal Specialist Hospital and Research Centre
Classification: Uncertain significance for Dilated cardiomyopathy 1G. Last evaluated: 2024-03-25. Review status: criteria provided, single submitter. Criteria: ACMG Guidelines, 2015. Collection method: clinical testing. Allele origin: germline.

Baylor Genetics
Classification: Uncertain significance for Dilated cardiomyopathy 1G. Last evaluated: 2020-06-03. Review status: criteria provided, single submitter. Criteria: ACMG Guidelines, 2015. Collection method: clinical testing. Allele origin: unknown. Affected: yes.
Comment: This variant was determined to be of uncertain significance according to ACMG Guidelines, 2015 [PMID:25741868].